The following is an entry in ClinVar:

NM_003238.6(TGFB2):c.638A>T (p.His213Leu)

Gene: TGFB2 (transforming growth factor beta 2; plus strand). Cytogenetic location: 1q41.
Variant type: single nucleotide variant.
Coding change: c.638A>T on transcript NM_003238.6 (MANE Select); coding-DNA position 638, A replaced by T.
Protein change: p.His213Leu; replaces histidine 213 with leucine.
Molecular consequence: missense variant. On other transcripts: non-coding transcript variant (2).
Genome position (GRCh38, 1-based): chr1:218,434,209, A>T. VCF-style: chr1-218434209-A-T. GRCh37 (hg19) VCF-style: chr1-218607551-A-T.
Other names: c.722A>T, p.His241Leu (NM_001135599.4); short protein forms H213L, H241L.
Identifiers: ClinVar variation 2872824 (VCV002872824.3), dbSNP rs772460840, ClinGen allele CA344726698.
Genomic context (GRCh38, chr1:218,434,209, plus strand): 5'-GAGCAGAAGGCGAATGGCTCTCCTTCGATGTAACTGATGCTGTTCATGAATGGCTTCACC[A>T]TAAAGGTTACAAGCCACTCTCTCTTTTCCTCCCAAGATGTTCAGTATCCCTAAGTTACTT-3'
Protein context (NP_003229.1, residues 203-223): VTDAVHEWLH[His213Leu]KDRNLGFKIS

ClinVar aggregate classification (germline): Uncertain significance (1 of 4 stars; one submission).

Conditions:
Loeys-Dietz syndrome 4 (LDS4). Also called: ANEURYSM, AORTIC AND CEREBRAL, WITH ARTERIAL TORTUOSITY AND SKELETAL MANIFESTATIONS; TGFB2-Related Loeys-Dietz Syndrome. Identifiers: MedGen C3553762, MONDO:0013897, OMIM 614816.

Submission:

Labcorp Genetics (formerly Invitae), Labcorp
Classification: Uncertain significance for Loeys-Dietz syndrome 4. Last evaluated: 2024-01-20. Review status: criteria provided, single submitter. Criteria: Invitae Variant Classification Sherloc (09022015). Collection method: clinical testing. Allele origin: germline.
Comment: This sequence change replaces histidine, which is basic and polar, with leucine, which is neutral and non-polar, at codon 213 of the TGFB2 protein (p.His213Leu). This variant is not present in population databases (gnomAD no frequency). This variant has not been reported in the literature in individuals affected with TGFB2-related conditions. Advanced modeling of protein sequence and biophysical properties (such as structural, functional, and spatial information, amino acid conservation, physicochemical variation, residue mobility, and thermodynamic stability) performed at Invitae indicates that this missense variant is not expected to disrupt TGFB2 protein function with a negative predictive value of 80%. In summary, the available evidence is currently insufficient to determine the role of this variant in disease. Therefore, it has been classified as a Variant of Uncertain Significance.